The following is an entry in ClinVar:

ClinVar aggregate classification (germline): Uncertain significance (1 of 4 stars; one submission).

Submission:

Labcorp Genetics (formerly Invitae), Labcorp
Classification: Uncertain significance. Last evaluated: 2023-09-19. Review status: criteria provided, single submitter. Criteria: Invitae Variant Classification Sherloc (09022015). Collection method: clinical testing. Allele origin: germline.
Comment: This sequence change replaces asparagine, which is neutral and polar, with lysine, which is basic and polar, at codon 692 of the PITPNM3 protein (p.Asn692Lys). In summary, the available evidence is currently insufficient to determine the role of this variant in disease. Therefore, it has been classified as a Variant of Uncertain Significance. Advanced modeling of protein sequence and biophysical properties (such as structural, functional, and spatial information, amino acid conservation, physicochemical variation, residue mobility, and thermodynamic stability) performed at Invitae indicates that this missense variant is not expected to disrupt PITPNM3 protein function. This variant has not been reported in the literature in individuals affected with PITPNM3-related conditions. This variant is not present in population databases (gnomAD no frequency).

NM_031220.4(PITPNM3):c.2076C>G (p.Asn692Lys)

Gene: PITPNM3 (PITPNM family member 3; minus strand). Cytogenetic location: 17p13.2.
Variant type: single nucleotide variant.
Coding change: c.2076C>G on transcript NM_031220.4 (MANE Select); coding-DNA position 2076, C replaced by G.
Protein change: p.Asn692Lys; replaces asparagine 692 with lysine.
Molecular consequence: missense variant.
Genome position (GRCh38, 1-based): chr17:6,464,250, G>C on the plus strand (C>G on the coding strand, the complement: PITPNM3 is on the minus strand). VCF-style: chr17-6464250-G-C. GRCh37 (hg19) VCF-style: chr17-6367570-G-C.
Other names: c.1968C>G, p.Asn656Lys (NM_001165966.2); short protein forms N656K, N692K.
Identifiers: ClinVar variation 2761684 (VCV002761684.3), dbSNP rs2543982396, ClinGen allele CA397402950.